The following is an entry in ClinVar:

ClinVar aggregate classification (germline): Benign/Likely benign. Review status: criteria provided, multiple submitters, no conflicts (2 of 4 stars). 7 submissions from 7 submitters: Benign (6); Likely benign (1). Last evaluated 2026-01-28.

Conditions:
Collagen 6-related myopathy. Identifiers: MedGen CN117976, MONDO:0100225.
Bethlem myopathy 1A. Also called: MYOPATHY, BENIGN CONGENITAL, WITH CONTRACTURES; Bethlem Muscular Dystrophy; Bethlem myopathy 1. Identifiers: Orphanet 610, MedGen CN029274, MONDO:0024530, OMIM 158810.

Allele frequency attached by ClinVar (database versions not stated): ESP Exome Variant Server 0.00308; 1000 Genomes Project 0.00319; gnomAD exomes 0.00055 and 0.00102; ExAC 0.00112; 1000 Genomes Project 30x 0.00328; gnomAD 0.00340 and 0.00360; TOPMed 0.00361.
gnomAD v4.1: 1,326 of 1,614,236 alleles (0.082%); highest among the groups gnomAD compares: African/African-American, 1.2%; 6 homozygotes.

Submissions (7):

Labcorp Genetics (formerly Invitae), Labcorp
Classification: Benign for Bethlem myopathy 1A. Last evaluated: 2026-01-28. Review status: criteria provided, single submitter. Criteria: Invitae Variant Classification Sherloc (09022015). Collection method: clinical testing. Allele origin: germline.

Blueprint Genetics
Classification: Likely benign. Last evaluated: 2024-11-20. Review status: criteria provided, single submitter. Criteria: ACMG Guidelines, 2015. Collection method: clinical testing. Allele origin: germline.

GeneDx
Classification: Benign. Last evaluated: 2018-03-30. Review status: criteria provided, single submitter. Criteria: GeneDx Variant Classification (06012015). Collection method: clinical testing. Allele origin: germline. Affected: yes.
Comment: This variant is considered likely benign or benign based on one or more of the following criteria: it is a conservative change, it occurs at a poorly conserved position in the protein, it is predicted to be benign by multiple in silico algorithms, and/or has population frequency not consistent with disease.

Illumina Laboratory Services, Illumina
Classification: Benign for Collagen VI-related myopathy. Last evaluated: 2018-01-13. Review status: criteria provided, single submitter. Criteria: ICSL Variant Classification Criteria 13 December 2019. Collection method: clinical testing. Allele origin: germline.
Comment: This variant was observed in the ICSL laboratory as part of a predisposition screen in an ostensibly healthy population. It had not been previously curated by ICSL or reported in the Human Gene Mutation Database (HGMD: prior to June 1st, 2018), and was therefore a candidate for classification through an automated scoring system. Utilizing variant allele frequency, disease prevalence and penetrance estimates, and inheritance mode, an automated score was calculated to assess if this variant is too frequent to cause the disease. Based on the score and internal cut-off values, a variant classified as benign is not then subjected to further curation. The score for this variant resulted in a classification of benign for this disease.

Eurofins Ntd Llc (ga)
Classification: Benign. Last evaluated: 2012-11-05. Review status: criteria provided, single submitter. Criteria: EGL Classification Definitions 2015. Collection method: clinical testing. Allele origin: germline. Observed: 3 variant alleles, 3 heterozygotes.

Breakthrough Genomics
Classification: Benign. Review status: criteria provided, single submitter. Criteria: ACMG Guidelines, 2015. Collection method: not provided. Allele origin: germline. Inheritance: Autosomal recessive inheritance. Affected: yes.

PreventionGenetics, part of Exact Sciences
Classification: Benign. Review status: criteria provided, single submitter. Criteria: ACMG Guidelines, 2015. Collection method: clinical testing. Allele origin: germline.

NM_004369.4(COL6A3):c.1638C>T (p.Ala546=)

Gene: COL6A3 (collagen type VI alpha 3 chain; minus strand). Cytogenetic location: 2q37.3.
Variant type: single nucleotide variant.
Coding change: c.1638C>T on transcript NM_004369.4 (MANE Select); coding-DNA position 1638, C replaced by T.
Protein change: p.Ala546=; no amino-acid change (alanine 546 retained).
Molecular consequence: synonymous variant.
Genome position (GRCh38, 1-based): chr2:237,381,174, G>A on the plus strand (C>T on the coding strand, the complement: COL6A3 is on the minus strand). VCF-style: chr2-237381174-G-A. GRCh37 (hg19) VCF-style: chr2-238289817-G-A.
Other names: c.417C>T, p.Ala139= (NM_057164.5, NM_057166.5); c.1020C>T, p.Ala340= (NM_057165.5, NM_057167.4).
Identifiers: ClinVar variation 94909 (VCV000094909.23), dbSNP rs112040282, ClinGen allele CA147919.